The following is an entry in ClinVar:

ClinVar aggregate classification (germline): Uncertain significance (1 of 4 stars; one submission).

Allele frequency attached by ClinVar (database versions not stated): gnomAD exomes below 0.00001; gnomAD 0.00001.
gnomAD v4.1: 6 of 1,613,780 alleles (0.00037%); highest among the groups gnomAD compares: Non-Finnish European, 0.00051%; no homozygotes.

Submission:

CeGaT Center for Human Genetics Tuebingen
Classification: Uncertain significance. Last evaluated: 2024-02-01. Review status: criteria provided, single submitter. Criteria: CeGaT Center For Human Genetics Tuebingen Variant Classification Criteria Version 2. Collection method: clinical testing. Allele origin: germline. Affected: yes. Observed: 1 variant allele.
Comment: MEI1: PM2, BP4

NM_152513.4(MEI1):c.2672A>C (p.Gln891Pro)

Gene: MEI1 (meiotic double-stranded break formation protein 1; plus strand). Cytogenetic location: 22q13.2.
Variant type: single nucleotide variant.
Coding change: c.2672A>C on transcript NM_152513.4 (MANE Select); coding-DNA position 2672, A replaced by C.
Protein change: p.Gln891Pro; replaces glutamine 891 with proline.
Molecular consequence: missense variant.
Genome position (GRCh38, 1-based): chr22:41,776,229, A>C. VCF-style: chr22-41776229-A-C. GRCh37 (hg19) VCF-style: chr22-42172233-A-C.
Other names: short protein forms Q891P.
Identifiers: ClinVar variation 3026274 (VCV003026274.22), dbSNP rs956781246, ClinGen allele CA324610102.